The following is an entry in ClinVar:

NM_203447.4(DOCK8):c.50A>G (p.Asn17Ser)

Genes: DOCK8 (dedicator of cytokinesis 8; plus strand), DOCK8-AS1 (DOCK8 antisense RNA 1; minus strand), LOC130001437 (ATAC-STARR-seq lymphoblastoid silent region 19722; plus strand). Cytogenetic location: 9p24.3.
Variant type: single nucleotide variant.
Coding change: c.50A>G on transcript NM_203447.4 (MANE Select); coding-DNA position 50, A replaced by G.
Protein change: p.Asn17Ser; replaces asparagine 17 with serine.
Molecular consequence: missense variant. On other transcripts: non-coding transcript variant (1).
Genome position (GRCh38, 1-based): chr9:215,026, A>G. VCF-style: chr9-215026-A-G. GRCh37 (hg19) VCF-style: chr9-215026-A-G.
Other names: short protein forms N17S.
Identifiers: ClinVar variation 1962106 (VCV001962106.5), dbSNP rs1291124124, ClinGen allele CA372755839.

ClinVar aggregate classification (germline): Uncertain significance (1 of 4 stars; one submission).

Conditions:
Combined immunodeficiency due to DOCK8 deficiency (HIES2). Also called: HYPER-IgE SYNDROME 2, AUTOSOMAL RECESSIVE, WITH RECURRENT INFECTIONS; HIES autosomal recessive; Hyper-IgE recurrent infection syndrome, autosomal recessive; HYPER-IgE RECURRENT INFECTION SYNDROME 2, AUTOSOMAL RECESSIVE; DOCK8 Deficiency. Identifiers: Orphanet 217390, MedGen C4722305, MONDO:0009478, OMIM 243700.

Allele frequency attached by ClinVar (database versions not stated): gnomAD exomes below 0.00001; gnomAD 0.00001.
gnomAD v4.1: 6 of 1,584,920 alleles (0.00038%); highest among the groups gnomAD compares: Admixed American, 0.0017%; no homozygotes.

Submission:

Labcorp Genetics (formerly Invitae), Labcorp
Classification: Uncertain significance for Combined immunodeficiency due to DOCK8 deficiency. Last evaluated: 2022-09-19. Review status: criteria provided, single submitter. Criteria: Invitae Variant Classification Sherloc (09022015). Collection method: clinical testing. Allele origin: germline.
Comment: In summary, the available evidence is currently insufficient to determine the role of this variant in disease. Therefore, it has been classified as a Variant of Uncertain Significance. Algorithms developed to predict the effect of missense changes on protein structure and function (SIFT, PolyPhen-2, Align-GVGD) all suggest that this variant is likely to be tolerated. This variant has not been reported in the literature in individuals affected with DOCK8-related conditions. This variant is present in population databases (no rsID available, gnomAD 0.001%). This sequence change replaces asparagine, which is neutral and polar, with serine, which is neutral and polar, at codon 17 of the DOCK8 protein (p.Asn17Ser).